The following is an entry in ClinVar:

ClinVar aggregate classification (germline): Uncertain significance (1 of 4 stars; one submission).

Conditions:
JMJD1C-related disorder. Also called: JMJD1C-related condition.

gnomAD v4.1: 4 of 1,613,946 alleles (0.00025%); highest among the groups gnomAD compares: Admixed American, 0.0067%; no homozygotes.

Submission:

PreventionGenetics, part of Exact Sciences
Classification: Uncertain significance for JMJD1C-related condition. Last evaluated: 2026-09-09. Review status: criteria provided, single submitter. Criteria: ACMG Guidelines, 2015. Collection method: clinical testing. Allele origin: germline.
Comment: The JMJD1C c.1508C>A variant is predicted to result in the amino acid substitution p.Pro503Gln. To our knowledge, this variant has not been reported in the literature. This variant is reported in 0.012% of alleles in individuals of Latino descent in gnomAD. At this time, the clinical significance of this variant is uncertain due to the absence of conclusive functional and genetic evidence.

NM_032776.3(JMJD1C):c.1508C>A (p.Pro503Gln)

Gene: JMJD1C (jumonji domain containing 1C; minus strand). Cytogenetic location: 10q21.3.
Variant type: single nucleotide variant.
Coding change: c.1508C>A on transcript NM_032776.3 (MANE Select); coding-DNA position 1508, C replaced by A.
Protein change: p.Pro503Gln; replaces proline 503 with glutamine.
Molecular consequence: missense variant. On other transcripts: non-coding transcript variant (1).
Genome position (GRCh38, 1-based): chr10:63,214,659, G>T on the plus strand (C>A on the coding strand, the complement: JMJD1C is on the minus strand). VCF-style: chr10-63214659-G-T. GRCh37 (hg19) VCF-style: chr10-64974419-G-T.
Other names: c.962C>A, p.Pro321Gln (NM_001282948.2, NM_001318154.2); c.644C>A, p.Pro215Gln (NM_001318153.2); c.1394C>A, p.Pro465Gln (NM_001322252.2); c.851C>A, p.Pro284Gln (NM_001322254.2, NM_001322258.2); short protein forms P321Q, P215Q, P284Q, P465Q, P503Q.
Identifiers: ClinVar variation 4988080 (VCV004988080.1).